The following is an entry in ClinVar:

NM_024757.5(EHMT1):c.3016G>A (p.Val1006Met)

Gene: EHMT1 (euchromatic histone lysine methyltransferase 1; plus strand). Cytogenetic location: 9q34.3.
Variant type: single nucleotide variant.
Coding change: c.3016G>A on transcript NM_024757.5 (MANE Select); coding-DNA position 3016, G replaced by A.
Protein change: p.Val1006Met; replaces valine 1006 with methionine.
Molecular consequence: missense variant.
Genome position (GRCh38, 1-based): chr9:137,813,154, G>A. VCF-style: chr9-137813154-G-A. GRCh37 (hg19) VCF-style: chr9-140707606-G-A.
Other names: c.2995G>A, p.Val999Met (NM_001354263.2); short protein forms V1006M, V999M.
Identifiers: ClinVar variation 96152 (VCV000096152.27), dbSNP rs33999936, ClinGen allele CA149297.

ClinVar aggregate classification (germline): Benign/Likely benign. Review status: criteria provided, multiple submitters, no conflicts (2 of 4 stars). 9 submissions from 9 submitters: Benign (4); Likely benign (4). 1 of the submissions does not count toward it. Last evaluated 2026-01-18.

Conditions:
EHMT1-related disorder. Also called: EHMT1-related condition.
Inborn genetic diseases. Identifiers: MedGen C0950123, MeSH D030342.
Kleefstra syndrome 1 (KLEFS1). Identifiers: Orphanet 261494, MedGen C0795833, MONDO:0027407, OMIM 610253.

Allele frequency attached by ClinVar (database versions not stated): 1000 Genomes Project 0.00080; ESP Exome Variant Server 0.00177; 1000 Genomes Project 30x 0.00078; gnomAD 0.00168 and 0.00183; TOPMed 0.00164.
gnomAD v4.1: 506 of 1,610,686 alleles (0.031%); highest among the groups gnomAD compares: African/African-American, 0.58%; 3 homozygotes.

Submissions (9):

Labcorp Genetics (formerly Invitae), Labcorp
Classification: Benign for Kleefstra syndrome 1. Last evaluated: 2026-01-18. Review status: criteria provided, single submitter. Criteria: Invitae Variant Classification Sherloc (09022015). Collection method: clinical testing. Allele origin: germline.

Mayo Clinic Laboratories, Mayo Clinic
Classification: Benign. Last evaluated: 2025-02-06. Review status: criteria provided, single submitter. Criteria: ACMG Guidelines, 2015. Collection method: clinical testing. Allele origin: germline. Observed: 1 variant allele.
Comment: BA1

Blueprint Genetics
Classification: Likely benign. Last evaluated: 2024-11-26. Review status: criteria provided, single submitter. Criteria: ACMG Guidelines, 2015. Collection method: clinical testing. Allele origin: germline.

GeneDx
Classification: Benign. Last evaluated: 2018-10-23. Review status: criteria provided, single submitter. Criteria: GeneDx Variant Classification Process June 2021. Collection method: clinical testing. Allele origin: germline. Affected: yes.

Ambry Genetics
Classification: Likely benign for Inborn genetic diseases. Last evaluated: 2018-07-24. Review status: criteria provided, single submitter. Criteria: Ambry Variant Classification Scheme 2023. Collection method: clinical testing. Allele origin: germline.

Genetic Services Laboratory, University of Chicago
Classification: Likely benign. Last evaluated: 2015-06-29. Review status: criteria provided, single submitter. Criteria: ACMG Guidelines, 2015. Collection method: clinical testing. Allele origin: germline.

Eurofins Ntd Llc (ga)
Classification: Benign. Last evaluated: 2012-12-19. Review status: criteria provided, single submitter. Criteria: EGL Classification Definitions 2015. Collection method: clinical testing. Allele origin: germline. Observed: 1 variant allele, 1 heterozygote.

Breakthrough Genomics
Classification: Likely benign. Review status: criteria provided, single submitter. Criteria: ACMG Guidelines, 2015. Collection method: not provided. Allele origin: germline. Inheritance: Autosomal dominant inheritance. Affected: yes.

PreventionGenetics, part of Exact Sciences
Classification: Benign for EHMT1-related condition. Last evaluated: 2019-08-20. Review status: no assertion criteria provided. Collection method: clinical testing. Allele origin: germline. Not counted in ClinVar's aggregate classification.
Comment: This variant is classified as benign based on ACMG/AMP sequence variant interpretation guidelines (Richards et al. 2015 PMID: 25741868, with internal and published modifications).

Literature cited by the submitters: PubMed 37954151 (cited by Mayo Clinic Laboratories, Mayo Clinic).